The following is an entry in ClinVar:

NM_173607.5(FAM177A1):c.69G>A (p.Thr23=)

Gene: FAM177A1 (family with sequence similarity 177 member A1; plus strand). Cytogenetic location: 14q13.2.
Variant type: single nucleotide variant.
Coding change: c.69G>A on transcript NM_173607.5 (MANE Select); coding-DNA position 69, G replaced by A.
Protein change: p.Thr23=; no amino-acid change (threonine 23 retained).
Molecular consequence: synonymous variant. On other transcripts: 5 prime UTR variant (2).
Genome position (GRCh38, 1-based): chr14:35,046,532, G>A. VCF-style: chr14-35046532-G-A. GRCh37 (hg19) VCF-style: chr14-35515738-G-A.
Other names: c.-1G>A (NM_001079519.1, NM_001289022.3).
Identifiers: ClinVar variation 3770437 (VCV003770437.13).

ClinVar aggregate classification (germline): Likely benign (1 of 4 stars; one submission).

gnomAD v4.1: 6,926 of 1,602,436 alleles (0.43%); highest among the groups gnomAD compares: Non-Finnish European, 0.52%; 19 homozygotes.

Submission:

CeGaT Center for Human Genetics Tuebingen
Classification: Likely benign. Last evaluated: 2026-05-01. Review status: criteria provided, single submitter. Criteria: CeGaT Center For Human Genetics Tuebingen Variant Classification Criteria Version 2. Collection method: clinical testing. Allele origin: germline. Affected: yes. Observed: 9 variant alleles.
Comment: FAM177A1: BP4, BS2